The following is an entry in ClinVar:

ClinVar aggregate classification (germline): Uncertain significance. Review status: criteria provided, multiple submitters, no conflicts (2 of 4 stars). 7 submissions from 7 submitters: Uncertain significance (6). 1 of the submissions does not count toward it. Last evaluated 2026-02-13.

Conditions:
Intellectual disability. Also called: Intellectual functioning disability; intellectual disabilities; Intellectual developmental disorder. Identifiers: MedGen C3714756, MeSH D008607, MONDO:0001071, HP:0001249.

Allele frequency attached by ClinVar (database versions not stated): TOPMed 0.00003; gnomAD exomes 0.00005 and 0.00008; ExAC 0.00006; gnomAD 0.00006.
gnomAD v4.1: 76 of 1,613,514 alleles (0.0047%); highest among the groups gnomAD compares: Non-Finnish European, 0.0061%; no homozygotes.

Submissions (7):

Women's Health and Genetics/Laboratory Corporation of America, LabCorp
Classification: Uncertain significance. Last evaluated: 2026-02-13. Review status: criteria provided, single submitter. Criteria: LabCorp Variant Classification Summary - May 2015. Collection method: clinical testing. Allele origin: germline.
Comment: Variant summary: SYNE1 c.18761T>C (p.Leu6254Pro) results in a non-conservative amino acid change in the encoded protein sequence. Algorithms developed to predict the effect of missense changes on protein structure and function are either unavailable or do not agree on the potential impact of this missense change. Consensus agreement among computation tools predict no significant impact on normal splicing. However, these predictions have yet to be confirmed by functional studies. The variant allele was found at a frequency of 8e-05 in 251448 control chromosomes. This frequency is not significantly higher than estimated for disease-causing variants in SYNE1, allowing no conclusion about variant significance. To our knowledge, no occurrence of c.18761T>C in individuals affected with SYNE1-related conditions and no experimental evidence demonstrating its impact on protein function have been reported. ClinVar contains an entry for this variant (Variation ID: 288124). Based on the evidence outlined above, the variant was classified as uncertain significance.

Blueprint Genetics
Classification: Uncertain significance. Last evaluated: 2024-11-23. Review status: criteria provided, single submitter. Criteria: ACMG Guidelines, 2015. Collection method: clinical testing. Allele origin: germline.

Revvity Omics, Revvity
Classification: Uncertain significance. Last evaluated: 2023-07-20. Review status: criteria provided, single submitter. Criteria: ACMG Guidelines, 2015. Collection method: clinical testing. Allele origin: germline.

Centre of Medical Genetics, University Hospital Muenster
Classification: Uncertain significance. Last evaluated: 2022-08-12. Review status: criteria provided, single submitter. Criteria: ACMG Guidelines, 2015. Collection method: clinical testing. Allele origin: unknown. Affected: yes. Observed: 1 variant allele, 1 heterozygote.
Comment: ACMG categories: PM2,BP4

Eurofins Ntd Llc (ga)
Classification: Uncertain significance. Last evaluated: 2017-11-30. Review status: criteria provided, single submitter. Criteria: EGL Classification Definitions 2015. Collection method: clinical testing. Allele origin: germline. Observed: 3 variant alleles, 3 heterozygotes.

GeneDx
Classification: Uncertain significance. Last evaluated: 2017-10-26. Review status: criteria provided, single submitter. Criteria: GeneDx Variant Classification (06012015). Collection method: clinical testing. Allele origin: germline. Affected: yes.
Comment: The L6254P variant has not been published as a pathogenic variant, nor has it been reported as a benign variant to our knowledge. The L6254P variant is observed in 22/126,704 (0.02%) alleles from individuals of European background (Lek et al., 2016). This substitution occurs at a position where amino acids with similar properties to Leucine are tolerated across species. However, this variant is a semi-conservative amino acid substitution, which may impact secondary protein structure as these residues differ in some properties. Additionally, in silico analysis predicts this variant is probably damaging to the protein structure/function.

Centre de Biologie Pathologie Génétique, Centre Hospitalier Universitaire de Lille
Classification: Uncertain significance for Intellectual disability. Last evaluated: 2019-01-01. Review status: no assertion criteria provided. Collection method: clinical testing. Allele origin: unknown. Affected: yes. Not counted in ClinVar's aggregate classification.

NM_182961.4(SYNE1):c.18974T>C (p.Leu6325Pro)

Gene: SYNE1 (spectrin repeat containing nuclear envelope protein 1; minus strand). Cytogenetic location: 6q25.2.
Variant type: single nucleotide variant.
Coding change: c.18974T>C on transcript NM_182961.4 (MANE Select); coding-DNA position 18974, T replaced by C.
Protein change: p.Leu6325Pro; replaces leucine 6325 with proline.
Molecular consequence: missense variant.
Genome position (GRCh38, 1-based): chr6:152,256,764, A>G on the plus strand (T>C on the coding strand, the complement: SYNE1 is on the minus strand). VCF-style: chr6-152256764-A-G. GRCh37 (hg19) VCF-style: chr6-152577899-A-G.
Other names: c.18761T>C, p.Leu6254Pro (NM_033071.5); short protein forms L6254P, L6325P.
Identifiers: ClinVar variation 288124 (VCV000288124.16), dbSNP rs201361687, ClinGen allele CA4054794.